The following is an entry in ClinVar:

ClinVar aggregate classification (germline): Likely benign. Review status: criteria provided, multiple submitters, no conflicts (2 of 4 stars). 4 submissions from 4 submitters: Likely benign (3). 1 of the submissions does not count toward it. Last evaluated 2025-07-29.

Conditions:
MYO7A-related disorder. Also called: MYO7A-related disorders.
Usher syndrome type 1B (USH1B). Also called: Usher syndrome type IB. Identifiers: MedGen C1848638, MONDO:0700087.

Allele frequency attached by ClinVar (database versions not stated): gnomAD 0.00001 and 0.00003; TOPMed 0.00003; ExAC 0.00008.
gnomAD v4.1: 60 of 1,613,336 alleles (0.0037%); highest among the groups gnomAD compares: South Asian, 0.047%; 1 homozygote.

Submissions (4):

Labcorp Genetics (formerly Invitae), Labcorp
Classification: Likely benign. Last evaluated: 2025-07-29. Review status: criteria provided, single submitter. Criteria: Invitae Variant Classification Sherloc (09022015). Collection method: clinical testing. Allele origin: germline.

PreventionGenetics, part of Exact Sciences
Classification: Likely benign for MYO7A-related condition. Last evaluated: 2025-05-20. Review status: criteria provided, single submitter. Criteria: ACMG Guidelines, 2015. Collection method: clinical testing. Allele origin: germline.
Comment: This variant is classified as likely benign based on ACMG/AMP sequence variant interpretation guidelines (Richards et al. 2015 PMID: 25741868, with internal and published modifications).

Blueprint Genetics
Classification: Likely benign. Last evaluated: 2024-01-24. Review status: criteria provided, single submitter. Criteria: ACMG Guidelines, 2015. Collection method: clinical testing. Allele origin: germline.

Natera, Inc.
Classification: Uncertain significance for Usher syndrome type 1B. Last evaluated: 2020-04-16. Review status: no assertion criteria provided. Collection method: clinical testing. Allele origin: germline. Not counted in ClinVar's aggregate classification.

NM_000260.4(MYO7A):c.3090C>T (p.Asp1030=)

Gene: MYO7A (myosin VIIA; plus strand). Cytogenetic location: 11q13.5.
Variant type: single nucleotide variant.
Coding change: c.3090C>T on transcript NM_000260.4 (MANE Select); coding-DNA position 3090, C replaced by T.
Protein change: p.Asp1030=; no amino-acid change (aspartic acid 1030 retained).
Molecular consequence: synonymous variant.
Genome position (GRCh38, 1-based): chr11:77,182,136, C>T. VCF-style: chr11-77182136-C-T. GRCh37 (hg19) VCF-style: chr11-76893182-C-T.
Other names: c.3090C>T, p.Asp1030= (NM_001127180.2); c.3057C>T, p.Asp1019= (NM_001369365.1); c.3090C>T (NM_000260.3).
Identifiers: ClinVar variation 991231 (VCV000991231.12), dbSNP rs782192026, ClinGen allele CA224841793.